The following is an entry in ClinVar:

ClinVar aggregate classification (germline): Uncertain significance (1 of 4 stars; one submission).

Allele frequency attached by ClinVar (database versions not stated): ExAC 0.00001; gnomAD 0.00001; gnomAD exomes 0.00001.
gnomAD v4.1: 13 of 1,209,385 alleles (0.0011%); highest among the groups gnomAD compares: Admixed American, 0.0022%; no homozygotes.

Submission:

Labcorp Genetics (formerly Invitae), Labcorp
Classification: Uncertain significance. Last evaluated: 2024-10-24. Review status: criteria provided, single submitter. Criteria: Invitae Variant Classification Sherloc (09022015). Collection method: clinical testing. Allele origin: germline.
Comment: This sequence change replaces threonine, which is neutral and polar, with methionine, which is neutral and non-polar, at codon 502 of the SLC9A7 protein (p.Thr502Met). This variant is present in population databases (rs772942005, gnomAD 0.003%). This variant has not been reported in the literature in individuals affected with SLC9A7-related conditions. ClinVar contains an entry for this variant (Variation ID: 1909336). Invitae Evidence Modeling of protein sequence and biophysical properties (such as structural, functional, and spatial information, amino acid conservation, physicochemical variation, residue mobility, and thermodynamic stability) indicates that this missense variant is expected to disrupt SLC9A7 protein function with a positive predictive value of 80%. In summary, the available evidence is currently insufficient to determine the role of this variant in disease. Therefore, it has been classified as a Variant of Uncertain Significance.

NM_001257291.2(SLC9A7):c.1505C>T (p.Thr502Met)

Gene: SLC9A7 (solute carrier family 9 member A7; minus strand). Cytogenetic location: Xp11.3.
Variant type: single nucleotide variant.
Coding change: c.1505C>T on transcript NM_001257291.2 (MANE Select); coding-DNA position 1505, C replaced by T.
Protein change: p.Thr502Met; replaces threonine 502 with methionine.
Molecular consequence: missense variant.
Genome position (GRCh38, 1-based): chrX:46,643,347, G>A on the plus strand (C>T on the coding strand, the complement: SLC9A7 is on the minus strand). VCF-style: chrX-46643347-G-A. GRCh37 (hg19) VCF-style: chrX-46502782-G-A.
Other names: c.1502C>T, p.Thr501Met (NM_032591.3); short protein forms T502M, T501M.
Identifiers: ClinVar variation 1909336 (VCV001909336.5), dbSNP rs772942005, ClinGen allele CA10393847.